The following is an entry in ClinVar:

NM_001267550.2(TTN):c.95021T>C (p.Val31674Ala)

Genes: TTN (titin; minus strand), TTN-AS1 (TTN antisense RNA 1; plus strand). Cytogenetic location: 2q31.2.
Variant type: single nucleotide variant.
Coding change: c.95021T>C on transcript NM_001267550.2 (MANE Select); coding-DNA position 95021, T replaced by C.
Protein change: p.Val31674Ala; replaces valine 31674 with alanine.
Molecular consequence: missense variant.
Genome position (GRCh38, 1-based): chr2:178,546,310, A>G on the plus strand (T>C on the coding strand, the complement: TTN is on the minus strand). VCF-style: chr2-178546310-A-G. GRCh37 (hg19) VCF-style: chr2-179411037-A-G.
Other names: c.90098T>C, p.Val30033Ala (NM_001256850.1); c.67826T>C, p.Val22609Ala (NM_003319.4); c.87317T>C, p.Val29106Ala (NM_133378.4); c.68201T>C, p.Val22734Ala (NM_133432.3); c.68402T>C, p.Val22801Ala (NM_133437.4); short protein forms V22609A, V22734A, V22801A, V29106A, V30033A, V31674A.
Identifiers: ClinVar variation 1328636 (VCV001328636.8), dbSNP rs754222897, ClinGen allele CA1987029.
Genomic context (GRCh38, chr2:178,546,310, plus strand): 5'-CTGGCATTTTTCACTGTTAAAGTGTATTTTCCACTGTCACTTCTGTCACAGAACTTGATC[A>G]CAGCAGTTGCTCGTTTGCCAGTATACTGCAAAGAGACTTTTTCACAGAGATCTAGCTCCT-3'
Protein context (NP_001254479.2, residues 31664-31684): LQYTGKRATA[Val31674Ala]IKFCDRSDSG

ClinVar aggregate classification (germline): Uncertain significance. Review status: criteria provided, multiple submitters, no conflicts (2 of 4 stars). 3 submissions from 3 submitters: Uncertain significance (3). Last evaluated 2026-09-30.

Conditions:
Cardiomyopathy (CMYO). Also called: Cardiomyopathies. Identifiers: Orphanet 167848, MedGen C0878544, MONDO:0004994, HP:0001638. Inheritance: Various modes of inheritance.

Allele frequency attached by ClinVar (database versions not stated): gnomAD 0.00001; gnomAD exomes 0.00001; TOPMed 0.00002; ExAC 0.00001.
gnomAD v4.1: 14 of 1,613,764 alleles (0.00087%); highest among the groups gnomAD compares: Middle Eastern, 0.082%; no homozygotes.

Submissions (3):

GeneDx
Classification: Uncertain significance. Last evaluated: 2026-09-30. Review status: criteria provided, single submitter. Criteria: GeneDx Variant Classification Process June 2021. Collection method: clinical testing. Allele origin: germline.
Comment: Not observed at significant frequency in large population cohorts (gnomAD); Missense variant in a gene in which most reported pathogenic variants are truncating/loss of function; Has not been previously published as pathogenic or benign to our knowledge

Women's Health and Genetics/Laboratory Corporation of America, LabCorp
Classification: Uncertain significance. Last evaluated: 2024-01-19. Review status: criteria provided, single submitter. Criteria: LabCorp Variant Classification Summary - May 2015. Collection method: clinical testing. Allele origin: germline.
Comment: Variant summary: TTN c.87317T>C (p.Val29106Ala) results in a non-conservative amino acid change located in the A band region of the encoded protein sequence. Three of four in-silico tools predict a damaging effect of the variant on protein function. The variant allele was found at a frequency of 1.2e-05 in 248810 control chromosomes (gnomAD). The available data on variant occurrences in the general population are insufficient to allow any conclusion about variant significance. To our knowledge, no occurrence of c.87317T>C in individuals affected with Limb-Girdle Muscular Dystrophy, Type 2J and no experimental evidence demonstrating its impact on protein function have been reported. ClinVar contains an entry for this variant (Variation ID: 1328636). Based on the evidence outlined above, the variant was classified as uncertain significance.

CHEO Genetics Diagnostic Laboratory, Children's Hospital of Eastern Ontario
Classification: Uncertain significance for Cardiomyopathy. Last evaluated: 2022-05-24. Review status: criteria provided, single submitter. Criteria: ACMG Guidelines, 2015. Collection method: clinical testing. Allele origin: germline.